The following is an entry in ClinVar:

NM_005559.4(LAMA1):c.4942G>A (p.Glu1648Lys)

Gene: LAMA1 (laminin subunit alpha 1; minus strand). Cytogenetic location: 18p11.31.
Variant type: single nucleotide variant.
Coding change: c.4942G>A on transcript NM_005559.4 (MANE Select); coding-DNA position 4942, G replaced by A.
Protein change: p.Glu1648Lys; replaces glutamic acid 1648 with lysine.
Molecular consequence: missense variant.
Genome position (GRCh38, 1-based): chr18:6,993,707, C>T on the plus strand (G>A on the coding strand, the complement: LAMA1 is on the minus strand). VCF-style: chr18-6993707-C-T. GRCh37 (hg19) VCF-style: chr18-6993706-C-T.
Other names: short protein forms E1648K.
Identifiers: ClinVar variation 2058890 (VCV002058890.2), dbSNP rs2510850848, ClinGen allele CA401842475.

ClinVar aggregate classification (germline): Uncertain significance (1 of 4 stars; one submission).

Allele frequency attached by ClinVar (database versions not stated): gnomAD exomes below 0.00001.
gnomAD v4.1: 1 of 1,614,100 alleles (0.000062%); highest among the groups gnomAD compares: Non-Finnish European, 0.000085%; no homozygotes.

Submission:

Labcorp Genetics (formerly Invitae), Labcorp
Classification: Uncertain significance. Last evaluated: 2022-10-06. Review status: criteria provided, single submitter. Criteria: Invitae Variant Classification Sherloc (09022015). Collection method: clinical testing. Allele origin: germline.
Comment: In summary, the available evidence is currently insufficient to determine the role of this variant in disease. Therefore, it has been classified as a Variant of Uncertain Significance. Advanced modeling of protein sequence and biophysical properties (such as structural, functional, and spatial information, amino acid conservation, physicochemical variation, residue mobility, and thermodynamic stability) performed at Invitae indicates that this missense variant is not expected to disrupt LAMA1 protein function. This variant has not been reported in the literature in individuals affected with LAMA1-related conditions. This variant is not present in population databases (gnomAD no frequency). This sequence change replaces glutamic acid, which is acidic and polar, with lysine, which is basic and polar, at codon 1648 of the LAMA1 protein (p.Glu1648Lys).